The following is an entry in ClinVar:

ClinVar aggregate classification (germline): Pathogenic/Likely pathogenic. Review status: criteria provided, multiple submitters, no conflicts (2 of 4 stars). 6 submissions from 6 submitters: Pathogenic (2); Likely pathogenic (4). Last evaluated 2026-01-11.

Conditions:
Niemann-Pick disease, type C (NPC). Identifiers: Orphanet 646, MedGen C0220756, MONDO:0018982.
Niemann-Pick disease, type C1. Also called: NIEMANN-PICK DISEASE, VARIANT TYPE C1; NEUROVISCERAL STORAGE DISEASE WITH VERTICAL SUPRANUCLEAR OPHTHALMOPLEGIA; NIEMANN-PICK DISEASE WITH CHOLESTEROL ESTERIFICATION BLOCK; NIEMANN-PICK DISEASE WITHOUT SPHINGOMYELINASE DEFICIENCY; NIEMANN-PICK DISEASE, CHRONIC NEURONOPATHIC FORM. Identifiers: Orphanet 646, MedGen C3179455, MONDO:0009757, OMIM 257220.
NPC1-related disorder. Also called: NPC1-related condition.

Allele frequency attached by ClinVar (database versions not stated): gnomAD exomes 0.00001 and 0.00002; TOPMed 0.00001.
gnomAD v4.1: 14 of 1,614,112 alleles (0.00087%); highest among the groups gnomAD compares: Middle Eastern, 0.016%; no homozygotes.

Submissions (6):

Labcorp Genetics (formerly Invitae), Labcorp
Classification: Pathogenic for Niemann-Pick disease, type C1. Last evaluated: 2026-01-11. Review status: criteria provided, single submitter. Criteria: Invitae Variant Classification Sherloc (09022015). Collection method: clinical testing. Allele origin: germline.
Comment: This sequence change replaces arginine, which is basic and polar, with tryptophan, which is neutral and slightly polar, at codon 372 of the NPC1 protein (p.Arg372Trp). This variant is present in population databases (no rsID available, gnomAD 0.01%). This missense change has been observed in individual(s) with Niemann-Pick disease type C (PMID: 16098014, 27288778, 28222799, 31743419). In at least one individual the data is consistent with being in trans (on the opposite chromosome) from a pathogenic variant. ClinVar contains an entry for this variant (Variation ID: 1066746). Invitae Evidence Modeling of protein sequence and biophysical properties (such as structural, functional, and spatial information, amino acid conservation, physicochemical variation, residue mobility, and thermodynamic stability) indicates that this missense variant is not expected to disrupt NPC1 protein function with a negative predictive value of 95%. For these reasons, this variant has been classified as Pathogenic.

Women's Health and Genetics/Laboratory Corporation of America, LabCorp
Classification: Pathogenic for Niemann-Pick disease, type C. Last evaluated: 2025-09-09. Review status: criteria provided, single submitter. Criteria: LabCorp Variant Classification Summary - May 2015. Collection method: clinical testing. Allele origin: germline.
Comment: Variant summary: NPC1 c.1114C>T (p.Arg372Trp) results in a non-conservative amino acid change in the encoded protein sequence. Algorithms developed to predict the effect of missense changes on protein structure and function are either unavailable or do not agree on the potential impact of this missense change. The variant allele was found at a frequency of 1.6e-05 in 251162 control chromosomes. c.1114C>T has been reported in the literature in individuals affected with Niemann-Pick Disease Type C (example: Fernandez-Valero_2005, Sevin_2007, Garca-Robles_2016, DeCastro_2017, Nadjar_2018, de Frutos_2020, Guan_2020). These data indicate that the variant is very likely to be associated with disease. The following publications have been ascertained in the context of this evaluation (PMID: 28222799, 16098014, 27288778, 31743419, 30285904, 17003072, 32745579). ClinVar contains an entry for this variant (Variation ID: 1066746). Based on the evidence outlined above, the variant was classified as pathogenic.

PreventionGenetics, part of Exact Sciences
Classification: Likely pathogenic for NPC1-related condition. Last evaluated: 2025-08-27. Review status: criteria provided, single submitter. Criteria: ACMG Guidelines, 2015. Collection method: clinical testing. Allele origin: germline.
Comment: The NPC1 c.1114C>T variant is predicted to result in the amino acid substitution p.Arg372Trp. This variant has been reported with another NPC1 variant in many individuals with adult-onset Niemann-Pick disease, type C (Fernandez-Valero et al. 2005. PubMed ID: 16098014; García-Robles et al. 2016. PubMed ID: 27288778; Table S1, Nadjar et al. 2018. PubMed ID: 30285904; De Castro-Orós et al. 2017. PubMed ID: 28222799; López de Frutos et al. 2020. PubMed ID: 32745579; Guan et al. 2019. PubMed ID: 31743419). This variant is reported in 0.012% of alleles in individuals of Latino descent in gnomAD. This variant is interpreted as pathogenic/likely pathogenic in the ClinVar database. This variant is interpreted as likely pathogenic.

Natera, Inc.
Classification: Likely pathogenic for Niemann-Pick disease type C1. Last evaluated: 2025-02-05. Review status: criteria provided, single submitter. Criteria: Natera Variant Classification Schema (03/2026). Collection method: clinical testing. Allele origin: germline.
Comment: The c.1114C>T variant in NPC1 is a missense variant predicted to cause substitution of arginine to tryptophan at amino acid 372. This variant is rare in the general population with a frequency below the threshold expected for the associated phenotype(s). This variant has been observed in one or more individuals affected with the associated recessive disease, as either homozygous or compound heterozygous with a second variant (PMID: 31743419, 32745579, 30285904, 28222799). Computational prediction algorithms indicate this variant is likely to affect gene or protein function. Given the available evidence, this variant is classified as Likely Pathogenic.

Mayo Clinic Laboratories, Mayo Clinic
Classification: Likely pathogenic. Last evaluated: 2024-12-16. Review status: criteria provided, single submitter. Criteria: ACMG Guidelines, 2015. Collection method: clinical testing. Allele origin: germline. Observed: 1 variant allele.
Comment: PP4, PM2_supporting, PM3_strong

GeneDx
Classification: Likely pathogenic. Last evaluated: 2024-03-18. Review status: criteria provided, single submitter. Criteria: GeneDx Variant Classification Process June 2021. Collection method: clinical testing. Allele origin: germline. Affected: yes.
Comment: Not observed at significant frequency in large population cohorts (gnomAD); In silico analysis supports that this missense variant has a deleterious effect on protein structure/function; This variant is associated with the following publications: (PMID: 31743419, 30285904, 32745579, 17003072, 28222799, 27288778, 16098014)

Literature cited by the submitters: PubMed 16098014 (cited by 3 submitters); PubMed 27288778 (cited by 3 submitters); PubMed 28222799 (cited by 4 submitters); PubMed 31743419 (cited by 4 submitters); PubMed 17003072 (cited by Women's Health and Genetics/Laboratory Corporation of America, LabCorp and Mayo Clinic Laboratories, Mayo Clinic); PubMed 30285904 (cited by 3 submitters); PubMed 32745579 (cited by 3 submitters).

NM_000271.5(NPC1):c.1114C>T (p.Arg372Trp)

Gene: NPC1 (NPC intracellular cholesterol transporter 1; minus strand). Cytogenetic location: 18q11.2.
Variant type: single nucleotide variant.
Coding change: c.1114C>T on transcript NM_000271.5 (MANE Select); coding-DNA position 1114, C replaced by T.
Protein change: p.Arg372Trp; replaces arginine 372 with tryptophan.
Molecular consequence: missense variant.
Genome position (GRCh38, 1-based): chr18:23,556,455, G>A on the plus strand (C>T on the coding strand, the complement: NPC1 is on the minus strand). VCF-style: chr18-23556455-G-A. GRCh37 (hg19) VCF-style: chr18-21136419-G-A.
Other names: p.Arg372Trp; c.1114C>T (NM_000271.4); short protein forms R372W.
Identifiers: ClinVar variation 1066746 (VCV001066746.16), dbSNP rs1346436537, ClinGen allele CA401778276.